The following is an entry in ClinVar:

NM_001164508.2(NEB):c.8222_8232del (p.Pro2741fs)

Gene: NEB (nebulin; minus strand). Cytogenetic location: 2q23.3.
Variant type: Deletion.
Coding change: c.8222_8232del on transcript NM_001164508.2 (MANE Select); coding-DNA positions 8222 to 8232, 11 bases deleted (CTGAAGTTTTA).
Protein change: p.Pro2741fs; shifts the reading frame from proline 2741.
Molecular consequence: frameshift variant.
Genome position (GRCh38, 1-based): chr2:151,642,798-151,642,808, TAAAACTTCAG deleted on the plus strand (CTGAAGTTTTA on the coding strand, the reverse complement: NEB is on the minus strand). VCF-style (leftmost placement, unchanged base first): chr2-151642797-ATAAAACTTCAG-A. GRCh37 (hg19) VCF-style: chr2-152499311-ATAAAACTTCAG-A.
Other names: c.8222_8232del, p.Pro2741fs (NM_001164507.2, NM_001271208.2, NM_004543.5); short protein forms P2741fs.
Identifiers: ClinVar variation 3241998 (VCV003241998.1), dbSNP rs2552246664.
Genomic context (GRCh38, chr2:151,642,797, plus strand): 5'-TATCACGCACTATGAATATATTACTTACCTCACTGTAATTTACTTTGTTTTGTTTAGCTA[ATAAAACTTCAG>A]GGGTATCTGGCATAATGTGGACAGTGGTTTTATCTTTATCCCAAGCTTCTGTATAGAGGC-3'

ClinVar aggregate classification (germline): Likely pathogenic (1 of 4 stars; one submission).

Conditions:
Arthrogryposis multiplex congenita 6. Identifiers: MedGen C5543431, MONDO:0030281, OMIM 619334.

Submission:

Neuberg Centre For Genomic Medicine, NCGM
Classification: Likely pathogenic for Arthrogryposis multiplex congenita 6. Review status: criteria provided, single submitter. Criteria: ACMG Guidelines, 2015. Collection method: clinical testing. Allele origin: germline. Inheritance: Autosomal recessive inheritance. Affected: yes.
Comment: The observed frameshift c.8222_8232del(p.Pro2741LeufsTer3) variant in NEB gene has not been reported previously as a pathogenic variant nor as a benign variant, to our knowledge. The p.Pro2741LeufsTer3 variant is absent in gnomAD Exomes. This variant has not been submitted to the ClinVar database. This variant causes a frameshift starting with codon Proline 2741, changes this amino acid to Leucine residue, and creates a premature Stop codon at position 3 of the new reading frame, denoted p.Pro2741LeufsTer3. This variant is predicted to cause loss of normal protein function through protein truncation. Loss of function variants have been previously reported to be disease causing. Functional studies are required to prove pathogenicity of the variant. For these reasons, this variant has been classified as Likely Pathogenic.